The following is an entry in ClinVar:

NM_001283009.2(RTEL1):c.2377G>T (p.Asp793Tyr)

Genes: RTEL1 (regulator of telomere elongation helicase 1; plus strand), RTEL1-TNFRSF6B (RTEL1-TNFRSF6B readthrough (NMD candidate); plus strand). Cytogenetic location: 20q13.33.
Variant type: single nucleotide variant.
Coding change: c.2377G>T on transcript NM_001283009.2 (MANE Select); coding-DNA position 2377, G replaced by T.
Protein change: p.Asp793Tyr; replaces aspartic acid 793 with tyrosine.
Molecular consequence: missense variant. On other transcripts: non-coding transcript variant (1).
Genome position (GRCh38, 1-based): chr20:63,690,405, G>T. VCF-style: chr20-63690405-G-T. GRCh37 (hg19) VCF-style: chr20-62321758-G-T.
Other names: c.1708G>T, p.Asp570Tyr (NM_001283010.1); c.2377G>T, p.Asp793Tyr (NM_016434.4); c.2449G>T, p.Asp817Tyr (NM_032957.5); short protein forms D793Y, D817Y, D570Y.
Identifiers: ClinVar variation 2127912 (VCV002127912.5), dbSNP rs573842797, ClinGen allele CA409681143.

ClinVar aggregate classification (germline): Uncertain significance. Review status: criteria provided, multiple submitters, no conflicts (2 of 4 stars). 2 submissions from 2 submitters: Uncertain significance (2). Last evaluated 2025-08-01.

Conditions:
Inborn genetic diseases. Identifiers: MedGen C0950123, MeSH D030342.
Pulmonary fibrosis and/or bone marrow failure, Telomere-related, 3. Also called: PULMONARY FIBROSIS AND/OR BONE MARROW FAILURE SYNDROME, TELOMERE-RELATED, 3. Identifiers: Orphanet 2032, MedGen C4225346, MONDO:0014613, OMIM 616373.
Dyskeratosis congenita, autosomal recessive 5 (DKCB5). Identifiers: MedGen C3554656, MONDO:0014076, OMIM 615190.

Submissions (2):

Ambry Genetics
Classification: Uncertain significance for Inborn genetic diseases. Last evaluated: 2025-08-01. Review status: criteria provided, single submitter. Criteria: Ambry Variant Classification Scheme 2023. Collection method: clinical testing. Allele origin: germline.
Comment: The p.D793Y variant (also known as c.2377G>T), located in coding exon 25 of the RTEL1 gene, results from a G to T substitution at nucleotide position 2377. The aspartic acid at codon 793 is replaced by tyrosine, an amino acid with highly dissimilar properties. This amino acid position is conserved. In addition, this alteration is predicted to be tolerated by in silico analysis. Based on the available evidence, the clinical significance of this variant remains unclear.

Labcorp Genetics (formerly Invitae), Labcorp
Classification: Uncertain significance for Dyskeratosis congenita, autosomal recessive 5; Pulmonary fibrosis and/or bone marrow failure, Telomere-related, 3. Last evaluated: 2024-04-07. Review status: criteria provided, single submitter. Criteria: Invitae Variant Classification Sherloc (09022015). Collection method: clinical testing. Allele origin: germline.
Comment: This sequence change replaces aspartic acid, which is acidic and polar, with tyrosine, which is neutral and polar, at codon 793 of the RTEL1 protein (p.Asp793Tyr). This variant is not present in population databases (gnomAD no frequency). This variant has not been reported in the literature in individuals affected with RTEL1-related conditions. ClinVar contains an entry for this variant (Variation ID: 2127912). An algorithm developed to predict the effect of missense changes on protein structure and function (PolyPhen-2) suggests that this variant is likely to be disruptive. In summary, the available evidence is currently insufficient to determine the role of this variant in disease. Therefore, it has been classified as a Variant of Uncertain Significance.